The following is an entry in ClinVar:

NM_203447.4(DOCK8):c.4840A>T (p.Arg1614Trp)

Gene: DOCK8 (dedicator of cytokinesis 8; plus strand). Cytogenetic location: 9p24.3.
Variant type: single nucleotide variant.
Coding change: c.4840A>T on transcript NM_203447.4 (MANE Select); coding-DNA position 4840, A replaced by T.
Protein change: p.Arg1614Trp; replaces arginine 1614 with tryptophan.
Molecular consequence: missense variant.
Genome position (GRCh38, 1-based): chr9:433,929, A>T. VCF-style: chr9-433929-A-T. GRCh37 (hg19) VCF-style: chr9-433929-A-T.
Other names: c.4540A>T, p.Arg1514Trp (NM_001190458.2); c.4636A>T, p.Arg1546Trp (NM_001193536.2); short protein forms R1514W, R1546W, R1614W.
Identifiers: ClinVar variation 3627586 (VCV003627586.2).

ClinVar aggregate classification (germline): Uncertain significance (1 of 4 stars; one submission).

Conditions:
Combined immunodeficiency due to DOCK8 deficiency (HIES2). Also called: HIES autosomal recessive; HYPER-IgE RECURRENT INFECTION SYNDROME 2, AUTOSOMAL RECESSIVE; Hyper-IgE recurrent infection syndrome, autosomal recessive; HYPER-IgE SYNDROME 2, AUTOSOMAL RECESSIVE, WITH RECURRENT INFECTIONS; DOCK8 Deficiency. Identifiers: Orphanet 217390, MedGen C4722305, MONDO:0009478, OMIM 243700.

gnomAD v4.1: 1 of 1,614,140 alleles (0.000062%); no homozygotes.

Submission:

Labcorp Genetics (formerly Invitae), Labcorp
Classification: Uncertain significance for Combined immunodeficiency due to DOCK8 deficiency. Last evaluated: 2024-07-19. Review status: criteria provided, single submitter. Criteria: Invitae Variant Classification Sherloc (09022015). Collection method: clinical testing. Allele origin: germline.
Comment: This sequence change replaces arginine, which is basic and polar, with tryptophan, which is neutral and slightly polar, at codon 1614 of the DOCK8 protein (p.Arg1614Trp). This variant is not present in population databases (gnomAD no frequency). This variant has not been reported in the literature in individuals affected with DOCK8-related conditions. Advanced modeling of protein sequence and biophysical properties (such as structural, functional, and spatial information, amino acid conservation, physicochemical variation, residue mobility, and thermodynamic stability) performed at Invitae indicates that this missense variant is not expected to disrupt DOCK8 protein function with a negative predictive value of 80%. In summary, the available evidence is currently insufficient to determine the role of this variant in disease. Therefore, it has been classified as a Variant of Uncertain Significance.